The following is an entry in ClinVar:

ClinVar aggregate classification (germline): Likely benign. Review status: criteria provided, single submitter (1 of 4 stars). 2 submissions from 2 submitters: Likely benign (1). 1 of the submissions does not count toward it. Last evaluated 2018-10-23.

Conditions:
CIT-related disorder. Also called: CIT-related condition.

Allele frequency attached by ClinVar (database versions not stated): gnomAD 0.00005 and 0.00009; gnomAD exomes 0.00007; TOPMed 0.00007; ESP Exome Variant Server 0.00008; ExAC 0.00011; 1000 Genomes Project 30x 0.00031; 1000 Genomes Project 0.00040.
gnomAD v4.1: 122 of 1,614,102 alleles (0.0076%); highest among the groups gnomAD compares: East Asian, 0.18%; no homozygotes.

Submissions (2):

Labcorp Genetics (formerly Invitae), Labcorp
Classification: Likely benign. Last evaluated: 2018-10-23. Review status: criteria provided, single submitter. Criteria: Invitae Variant Classification Sherloc (09022015). Collection method: clinical testing. Allele origin: germline.

PreventionGenetics, part of Exact Sciences
Classification: Likely benign for CIT-related condition. Last evaluated: 2019-09-19. Review status: no assertion criteria provided. Collection method: clinical testing. Allele origin: germline. Not counted in ClinVar's aggregate classification.
Comment: This variant is classified as likely benign based on ACMG/AMP sequence variant interpretation guidelines (Richards et al. 2015 PMID: 25741868, with internal and published modifications).

NM_001206999.2(CIT):c.4083C>T (p.Ile1361=)

Gene: CIT (citron rho-interacting serine/threonine kinase; minus strand). Cytogenetic location: 12q24.23.
Variant type: single nucleotide variant.
Coding change: c.4083C>T on transcript NM_001206999.2 (MANE Select); coding-DNA position 4083, C replaced by T.
Protein change: p.Ile1361=; no amino-acid change (isoleucine 1361 retained).
Molecular consequence: synonymous variant.
Genome position (GRCh38, 1-based): chr12:119,718,330, G>A on the plus strand (C>T on the coding strand, the complement: CIT is on the minus strand). VCF-style: chr12-119718330-G-A. GRCh37 (hg19) VCF-style: chr12-120156135-G-A.
Other names: c.3957C>T, p.Ile1319= (NM_007174.3).
Identifiers: ClinVar variation 792911 (VCV000792911.5), dbSNP rs200613360, ClinGen allele CA6821346.